The following is an entry in ClinVar:

NM_001378778.1(MPDZ):c.29C>T (p.Ala10Val)

Gene: MPDZ (multiple PDZ domain crumbs cell polarity complex component; minus strand). Cytogenetic location: 9p23.
Variant type: single nucleotide variant.
Coding change: c.29C>T on transcript NM_001378778.1 (MANE Select); coding-DNA position 29, C replaced by T.
Protein change: p.Ala10Val; replaces alanine 10 with valine.
Molecular consequence: missense variant.
Genome position (GRCh38, 1-based): chr9:13,247,789, G>A on the plus strand (C>T on the coding strand, the complement: MPDZ is on the minus strand). VCF-style: chr9-13247789-G-A. GRCh37 (hg19) VCF-style: chr9-13247788-G-A.
Other names: c.29C>T, p.Ala10Val (NM_001261406.2, NM_001261407.2, NM_001330637.2 and 14 more transcripts); c.29C>T (NM_003829.3); short protein forms A10V.
Identifiers: ClinVar variation 1408473 (VCV001408473.7), dbSNP rs754680902, ClinGen allele CA4988261.
Genomic context (GRCh38, chr9:13,247,789, plus strand): 5'-TCATTTGCTACATCCCCACGTTCTCGCAGCTTGGTTTGCAAGCGCTCTGCTGCATGCAGG[G>A]CCCGATTTTTGTCTATACCAAAGAGCAGCATTTGTCAATAACAGGATTCAAAGGACACAT-3'
Protein context (NP_001365707.1, residues 1-20): MLEAIDKNR[Ala10Val]LHAAERLQTK

ClinVar aggregate classification (germline): Uncertain significance. Review status: criteria provided, multiple submitters, no conflicts (2 of 4 stars). 2 submissions from 2 submitters: Uncertain significance (2). Last evaluated 2023-03-01.

Conditions:
Inborn genetic diseases. Identifiers: MedGen C0950123, MeSH D030342.

Allele frequency attached by ClinVar (database versions not stated): gnomAD 0.00001; ExAC 0.00002; gnomAD exomes 0.00002.
gnomAD v4.1: 50 of 1,604,752 alleles (0.0031%); highest among the groups gnomAD compares: Non-Finnish European, 0.0038%; no homozygotes.

Submissions (2):

Ambry Genetics
Classification: Uncertain significance for Inborn genetic diseases. Last evaluated: 2023-03-01. Review status: criteria provided, single submitter. Criteria: Ambry Variant Classification Scheme 2023. Collection method: clinical testing. Allele origin: germline.

Labcorp Genetics (formerly Invitae), Labcorp
Classification: Uncertain significance. Last evaluated: 2022-08-09. Review status: criteria provided, single submitter. Criteria: Invitae Variant Classification Sherloc (09022015). Collection method: clinical testing. Allele origin: germline.
Comment: In summary, the available evidence is currently insufficient to determine the role of this variant in disease. Therefore, it has been classified as a Variant of Uncertain Significance. Algorithms developed to predict the effect of missense changes on protein structure and function (SIFT, PolyPhen-2, Align-GVGD) all suggest that this variant is likely to be disruptive. ClinVar contains an entry for this variant (Variation ID: 1408473). This variant has not been reported in the literature in individuals affected with MPDZ-related conditions. This variant is present in population databases (rs754680902, gnomAD 0.006%). This sequence change replaces alanine, which is neutral and non-polar, with valine, which is neutral and non-polar, at codon 10 of the MPDZ protein (p.Ala10Val).